The following is an entry in ClinVar:

ClinVar aggregate classification (germline): Likely pathogenic (1 of 4 stars; one submission).

Conditions:
Amyotrophic lateral sclerosis type 10 (ALS10). Also called: Amyotrophic lateral sclerosis 10, with or without FTD; AMYOTROPHIC LATERAL SCLEROSIS 10 WITHOUT FRONTOTEMPORAL DEMENTIA AND WITH TDP43 INCLUSIONS; AMYOTROPHIC LATERAL SCLEROSIS 10 WITH OR WITHOUT FRONTOTEMPORAL DEMENTIA AND WITH TDP43 INCLUSIONS; AMYOTROPHIC LATERAL SCLEROSIS 10 WITH OR WITHOUT FRONTOTEMPORAL DEMENTIA; TARDBP-Related Amyotrophic Lateral Sclerosis-Frontotemporal Dementia. Identifiers: Orphanet 275872, Orphanet 803, MedGen C2677565, MONDO:0012790, OMIM 612069.
FRONTOTEMPORAL LOBAR DEGENERATION WITH TDP43 INCLUSIONS, TARDBP-RELATED. Also called: Frontotemporal lobar degeneration, TARDBP-related. Identifiers: MedGen C3150169, OMIM 612069.

Submission:

Labcorp Genetics (formerly Invitae), Labcorp
Classification: Likely pathogenic for Amyotrophic lateral sclerosis type 10; FRONTOTEMPORAL LOBAR DEGENERATION WITH TDP43 INCLUSIONS, TARDBP-RELATED. Last evaluated: 2025-04-02. Review status: criteria provided, single submitter. Criteria: Invitae Variant Classification Sherloc (09022015). Collection method: clinical testing. Allele origin: germline.
Comment: This sequence change replaces alanine, which is neutral and non-polar, with glycine, which is neutral and non-polar, at codon 321 of the TARDBP protein (p.Ala321Gly). This variant is not present in population databases (gnomAD no frequency). This missense change has been observed in individuals with amyotrophic lateral sclerosis (PMID: 19864663, 37223130; internal data). Invitae Evidence Modeling of protein sequence and biophysical properties (such as structural, functional, and spatial information, amino acid conservation, physicochemical variation, residue mobility, and thermodynamic stability) indicates that this missense variant is not expected to disrupt TARDBP protein function with a negative predictive value of 80%. Experimental studies have shown that this missense change affects TARDBP function (PMID: 25792726, 37131250). This variant disrupts the p.Ala321 amino acid residue in TARDBP. Other variant(s) that disrupt this residue have been determined to be pathogenic (PMID: 32253937; internal data). This suggests that this residue is clinically significant, and that variants that disrupt this residue are likely to be disease-causing. In summary, the currently available evidence indicates that the variant is pathogenic, but additional data are needed to prove that conclusively. Therefore, this variant has been classified as Likely Pathogenic.

Literature cited by the submitters: PubMed 19864663; PubMed 37223130; PubMed 25792726; PubMed 37131250; PubMed 32253937.

NM_007375.4(TARDBP):c.962C>G (p.Ala321Gly)

Gene: TARDBP (TAR DNA binding protein; plus strand). Cytogenetic location: 1p36.22.
Variant type: single nucleotide variant.
Coding change: c.962C>G on transcript NM_007375.4 (MANE Select); coding-DNA position 962, C replaced by G.
Protein change: p.Ala321Gly; replaces alanine 321 with glycine.
Molecular consequence: missense variant.
Genome position (GRCh38, 1-based): chr1:11,022,371, C>G. VCF-style: chr1-11022371-C-G. GRCh37 (hg19) VCF-style: chr1-11082428-C-G.
Other names: short protein forms A321G.
Identifiers: ClinVar variation 4783510 (VCV004783510.1).